The following is an entry in ClinVar:

NM_001042517.2(DIAPH3):c.716T>C (p.Val239Ala)

Genes: DIAPH3 (diaphanous related formin 3; minus strand), DIAPH3-AS1 (DIAPH3 antisense RNA 1; plus strand). Cytogenetic location: 13q21.2.
Variant type: single nucleotide variant.
Coding change: c.716T>C on transcript NM_001042517.2 (MANE Select); coding-DNA position 716, T replaced by C.
Protein change: p.Val239Ala; replaces valine 239 with alanine.
Molecular consequence: missense variant.
Genome position (GRCh38, 1-based): chr13:60,015,968, A>G on the plus strand (T>C on the coding strand, the complement: DIAPH3 is on the minus strand). VCF-style: chr13-60015968-A-G. GRCh37 (hg19) VCF-style: chr13-60590102-A-G.
Other names: c.683T>C, p.Val228Ala (NM_001258366.2); c.578T>C, p.Val193Ala (NM_001258367.2); c.506T>C, p.Val169Ala (NM_001258368.2); c.716T>C, p.Val239Ala (NM_001258369.2); short protein forms V169A, V193A, V228A, V239A.
Identifiers: ClinVar variation 3384964 (VCV003384964.1).
Genomic context (GRCh38, chr13:60,015,968, plus strand): 5'-CATACCTGCGTATTCATCAGGGCTTTTAGACACTGTATGACTTTATGTTGATTTTTCTTT[A>G]CAACTTTTTCTTGGCTGTATTGACATAAAAAATAGCAGTGTTGGAATTATAATTGGACAT-3'
Protein context (NP_001035982.1, residues 229-249): LISGKIQEKV[Val239Ala]KKNQHKVIQC

ClinVar aggregate classification (germline): Uncertain significance (1 of 4 stars; one submission).

Submission:

Women's Health and Genetics/Laboratory Corporation of America, LabCorp
Classification: Uncertain significance. Last evaluated: 2024-10-03. Review status: criteria provided, single submitter. Criteria: LabCorp Variant Classification Summary - May 2015. Collection method: clinical testing. Allele origin: germline.
Comment: Variant summary: DIAPH3 c.716T>C (p.Val239Ala) results in a non-conservative amino acid change located in the Formin, GTPase-binding domain (IPR010473) of the encoded protein sequence. Four of five in-silico tools predict a benign effect of the variant on protein function. The variant was absent in 248456 control chromosomes. The available data on variant occurrences in the general population are insufficient to allow any conclusion about variant significance. To our knowledge, no occurrence of c.716T>C in individuals affected with Autosomal Dominant Auditory Neuropathy 1 and no experimental evidence demonstrating its impact on protein function have been reported. No submitters have cited clinical-significance assessments for this variant to ClinVar. Based on the evidence outlined above, the variant was classified as uncertain significance.